The following is an entry in ClinVar:

ClinVar aggregate classification (germline): Conflicting classifications of pathogenicity. Review status: criteria provided, conflicting classifications (1 of 4 stars). 2 submissions from 2 submitters: Uncertain significance (1); Likely benign (1). Last evaluated 2026-01-11.

Conditions:
Intellectual disability-severe speech delay-mild dysmorphism syndrome (IDDLA). Also called: Mental retardation with language impairment and autistic features; Intellectual developmental disorder with language impairment AND with or without autistic features; FOXP1 Syndrome. Identifiers: Orphanet 391372, MedGen C4013764, MONDO:0013352, OMIM 613670.
Inborn genetic diseases. Identifiers: MedGen C0950123, MeSH D030342.

Allele frequency attached by ClinVar (database versions not stated): gnomAD 0.00002; gnomAD exomes 0.00003.
gnomAD v4.1: 41 of 1,349,096 alleles (0.003%); highest among the groups gnomAD compares: Non-Finnish European, 0.0038%; no homozygotes.

Submissions (2):

Labcorp Genetics (formerly Invitae), Labcorp
Classification: Likely benign. Last evaluated: 2026-01-11. Review status: criteria provided, single submitter. Criteria: Invitae Variant Classification Sherloc (09022015). Collection method: clinical testing. Allele origin: germline.

Ambry Genetics
Classification: Uncertain significance for Inborn genetic diseases. Last evaluated: 2025-01-22. Review status: criteria provided, single submitter. Criteria: Ambry Variant Classification Scheme 2023. Collection method: clinical testing. Allele origin: germline.

NM_001349338.3(FOXP1):c.8A>G (p.Gln3Arg)

Gene: FOXP1 (forkhead box P1; minus strand). Cytogenetic location: 3p13.
Variant type: single nucleotide variant.
Coding change: c.8A>G on transcript NM_001349338.3 (MANE Select); coding-DNA position 8, A replaced by G.
Protein change: p.Gln3Arg; replaces glutamine 3 with arginine.
Molecular consequence: missense variant. On other transcripts: non-coding transcript variant (2).
Genome position (GRCh38, 1-based): chr3:71,198,374, T>C on the plus strand (A>G on the coding strand, the complement: FOXP1 is on the minus strand). VCF-style: chr3-71198374-T-C. GRCh37 (hg19) VCF-style: chr3-71247525-T-C.
Other names: c.8A>G, p.Gln3Arg (NM_001012505.2, NM_001244808.3, NM_001244810.2 and 6 more transcripts); short protein forms Q3R.
Identifiers: ClinVar variation 984882 (VCV000984882.6), dbSNP rs898658081, ClinGen allele CA77135960.
Genomic context (GRCh38, chr3:71,198,374, plus strand): 5'-CTGCCGCCCGACCCATTCTGGATGGCTGAACCGTTACTTTTTGTCTCAGTCCCAGATTCT[T>C]GCATCATGACTCAAAAACCTGATACAAGGATTTCCAAGATGGGGGGAGGGAGGGGGGGAG-3'
Protein context (NP_001336267.1, residues 1-13): MM[Gln3Arg]ESGTETKSNG